The following is an entry in ClinVar:

NM_003924.4(PHOX2B):c.663T>A (p.Ala221=)

Gene: PHOX2B (paired like homeobox 2B; minus strand). Cytogenetic location: 4p13.
Variant type: single nucleotide variant.
Coding change: c.663T>A on transcript NM_003924.4 (MANE Select); coding-DNA position 663, T replaced by A.
Protein change: p.Ala221=; no amino-acid change (alanine 221 retained).
Molecular consequence: synonymous variant.
Genome position (GRCh38, 1-based): chr4:41,746,089, A>T on the plus strand (T>A on the coding strand, the complement: PHOX2B is on the minus strand). VCF-style: chr4-41746089-A-T. GRCh37 (hg19) VCF-style: chr4-41748106-A-T.
Identifiers: ClinVar variation 4085706 (VCV004085706.8).

ClinVar aggregate classification (germline): Likely benign (1 of 4 stars; one submission).

Submission:

CeGaT Center for Human Genetics Tuebingen
Classification: Likely benign. Last evaluated: 2025-08-01. Review status: criteria provided, single submitter. Criteria: CeGaT Center For Human Genetics Tuebingen Variant Classification Criteria Version 2. Collection method: clinical testing. Allele origin: germline. Affected: yes. Observed: 1 variant allele.
Comment: PHOX2B: PM2:Supporting, BP4, BP7